The following is an entry in ClinVar:

ClinVar aggregate classification (germline): Uncertain significance (1 of 4 stars; one submission).

Conditions:
Malignant hyperthermia, susceptibility to, 5 (MHS5). Also called: CACNA1S-Related Malignant Hyperthermia Susceptibility. Identifiers: Orphanet 423, MedGen C1866077, MONDO:0011163, OMIM 601887.

Submission:

All of Us Research Program, National Institutes of Health
Classification: Uncertain significance for Malignant hyperthermia, susceptibility to, 5. Last evaluated: 2023-11-30. Review status: criteria provided, single submitter. Criteria: ACMG Guidelines, 2015. Collection method: clinical testing. Allele origin: germline. Inheritance: Autosomal dominant inheritance. Observed: 1 variant allele, 1 heterozygote.
Comment: This study involves interpretation of variants in research participants for the purpose of population health screening. Participant phenotype was not available at the time of variant classification. Additional details can be found in publication PMID: 35346344, PMCID: PMC8962531

NM_000069.3(CACNA1S):c.2265C>A (p.Ser755Arg)

Gene: CACNA1S (calcium voltage-gated channel subunit alpha1 S; minus strand). Cytogenetic location: 1q32.1.
Variant type: single nucleotide variant.
Coding change: c.2265C>A on transcript NM_000069.3 (MANE Select); coding-DNA position 2265, C replaced by A.
Protein change: p.Ser755Arg; replaces serine 755 with arginine.
Molecular consequence: missense variant.
Genome position (GRCh38, 1-based): chr1:201,070,367, G>T on the plus strand (C>A on the coding strand, the complement: CACNA1S is on the minus strand). VCF-style: chr1-201070367-G-T. GRCh37 (hg19) VCF-style: chr1-201039495-G-T.
Other names: short protein forms S755R.
Identifiers: ClinVar variation 3073979 (VCV003073979.1), dbSNP rs201913181, ClinGen allele CA344109314.